The following is an entry in ClinVar:

NM_001297.5(CNGB1):c.2000G>A (p.Trp667Ter)

Gene: CNGB1 (cyclic nucleotide gated channel subunit beta 1; minus strand). Cytogenetic location: 16q21.
Variant type: single nucleotide variant.
Coding change: c.2000G>A on transcript NM_001297.5 (MANE Select); coding-DNA position 2000, G replaced by A.
Protein change: p.Trp667Ter; replaces tryptophan 667 with a stop codon.
Molecular consequence: nonsense.
Genome position (GRCh38, 1-based): chr16:57,917,434, C>T on the plus strand (G>A on the coding strand, the complement: CNGB1 is on the minus strand). VCF-style: chr16-57917434-C-T. GRCh37 (hg19) VCF-style: chr16-57951338-C-T.
Other names: c.1982G>A, p.Trp661Ter (NM_001286130.2); short protein forms W661*, W667*.
Identifiers: ClinVar variation 1381625 (VCV001381625.6), dbSNP rs2149364869, ClinGen allele CA396064524.

ClinVar aggregate classification (germline): Pathogenic (1 of 4 stars; one submission).

Submission:

Labcorp Genetics (formerly Invitae), Labcorp
Classification: Pathogenic. Last evaluated: 2022-11-01. Review status: criteria provided, single submitter. Criteria: Invitae Variant Classification Sherloc (09022015). Collection method: clinical testing. Allele origin: germline.
Comment: This sequence change creates a premature translational stop signal (p.Trp667*) in the CNGB1 gene. It is expected to result in an absent or disrupted protein product. Loss-of-function variants in CNGB1 are known to be pathogenic (PMID: 15557452, 24043777). This variant is not present in population databases (gnomAD no frequency). This variant has not been reported in the literature in individuals affected with CNGB1-related conditions. ClinVar contains an entry for this variant (Variation ID: 1381625). Algorithms developed to predict the effect of sequence changes on RNA splicing suggest that this variant may create or strengthen a splice site. For these reasons, this variant has been classified as Pathogenic.

Literature cited by the submitters: PubMed 15557452; PubMed 24043777.